The following is an entry in ClinVar:

ClinVar aggregate classification (germline): Uncertain significance. Review status: criteria provided, multiple submitters, no conflicts (2 of 4 stars). 2 submissions from 2 submitters: Uncertain significance (2). Last evaluated 2024-12-20.

Conditions:
Hereditary cancer-predisposing syndrome. Also called: Hereditary neoplastic syndrome; Neoplastic Syndromes, Hereditary; Tumor predisposition; Hereditary Cancer Syndrome. Identifiers: Orphanet 140162, MedGen C0027672, MeSH D009386, MONDO:0015356.
Tuberous sclerosis 2 (TSC2). Identifiers: Orphanet 805, MedGen C1860707, MONDO:0013199, OMIM 613254.

Submissions (2):

Ambry Genetics
Classification: Uncertain significance for Hereditary cancer-predisposing syndrome. Last evaluated: 2024-12-20. Review status: criteria provided, single submitter. Criteria: Ambry Variant Classification Scheme 2023. Collection method: clinical testing. Allele origin: germline.
Comment: The p.K351E variant (also known as c.1051A>G), located in coding exon 10 of the TSC2 gene, results from an A to G substitution at nucleotide position 1051. The lysine at codon 351 is replaced by glutamic acid, an amino acid with similar properties. This amino acid position is conserved. In addition, the in silico prediction for this alteration is inconclusive. Based on the available evidence, the clinical significance of this variant remains unclear.

Labcorp Genetics (formerly Invitae), Labcorp
Classification: Uncertain significance for Tuberous sclerosis 2. Last evaluated: 2024-10-10. Review status: criteria provided, single submitter. Criteria: Invitae Variant Classification Sherloc (09022015). Collection method: clinical testing. Allele origin: germline.
Comment: This sequence change replaces lysine, which is basic and polar, with glutamic acid, which is acidic and polar, at codon 351 of the TSC2 protein (p.Lys351Glu). This variant is not present in population databases (gnomAD no frequency). This variant has not been reported in the literature in individuals affected with TSC2-related conditions. ClinVar contains an entry for this variant (Variation ID: 1019495). Invitae Evidence Modeling of protein sequence and biophysical properties (such as structural, functional, and spatial information, amino acid conservation, physicochemical variation, residue mobility, and thermodynamic stability) indicates that this missense variant is not expected to disrupt TSC2 protein function with a negative predictive value of 95%. In summary, the available evidence is currently insufficient to determine the role of this variant in disease. Therefore, it has been classified as a Variant of Uncertain Significance.

NM_000548.5(TSC2):c.1051A>G (p.Lys351Glu)

Gene: TSC2 (TSC complex subunit 2; plus strand). Cytogenetic location: 16p13.3.
Variant type: single nucleotide variant.
Coding change: c.1051A>G on transcript NM_000548.5 (MANE Select); coding-DNA position 1051, A replaced by G.
Protein change: p.Lys351Glu; replaces lysine 351 with glutamic acid.
Molecular consequence: missense variant.
Genome position (GRCh38, 1-based): chr16:2,060,745, A>G. VCF-style: chr16-2060745-A-G. GRCh37 (hg19) VCF-style: chr16-2110746-A-G.
Other names: c.1051A>G (NM_000548.3); c.1051A>G, p.Lys351Glu (NM_001077183.3, NM_001114382.3, NM_001363528.2 and 3 more transcripts); c.940A>G, p.Lys314Glu (NM_001318827.2); c.904A>G, p.Lys302Glu (NM_001318829.2); c.451A>G, p.Lys151Glu (NM_001318831.2); c.1084A>G, p.Lys362Glu (NM_001318832.2); short protein forms K151E, K302E, K314E, K351E, K362E.
Identifiers: ClinVar variation 1019495 (VCV001019495.7), dbSNP rs2086530884, ClinGen allele CA394317826.